The following is an entry in ClinVar:

ClinVar aggregate classification (germline): Pathogenic. Review status: criteria provided, multiple submitters, no conflicts (2 of 4 stars). 9 submissions from 9 submitters: Pathogenic (7). 2 of the submissions do not count toward it. Last evaluated 2025-10-27.

Conditions:
Inborn genetic diseases. Identifiers: MedGen C0950123, MeSH D030342.
Ornithine carbamoyltransferase deficiency (OTCD). Also called: ORNITHINE TRANSCARBAMYLASE DEFICIENCY, HYPERAMMONEMIA DUE TO; ORNITHINE TRANSCARBAMYLASE DEFICIENCY; OTC DEFICIENCY; Ornithine Carbamoyltransferase Deficiency Disease. Identifiers: Orphanet 664, MedGen C0268542, MONDO:0010703, OMIM 311250.

Submissions (9):

Victorian Clinical Genetics Services, Murdoch Childrens Research Institute
Classification: Pathogenic for Ornithine carbamoyltransferase deficiency. Last evaluated: 2025-10-27. Review status: criteria provided, single submitter. Criteria: ACMG Guidelines, 2015. Collection method: clinical testing. Allele origin: germline.
Comment: This variant is classified as Pathogenic. Evidence in support of pathogenic classification: Variant is predicted to result in a truncated protein (premature termination codon is NOT located at least 54 nucleotides upstream of the final exon-exon junction) with less than 1/3 of the protein sequence affected; Variant is absent from gnomAD (v2, v3 and v4); This variant has strong previous evidence of pathogenicity in unrelated individuals. This variant has been classified as pathogenic by multiple clinical laboratories (ClinVar). This variant has also been reported in at least one heterozygous female with ornithine transcarbamylase deficiency (PMID: 28887792). - Other protein truncating variant(s) comparable to the one identified in this case have moderate previous evidence for pathogenicity (DECIPHER). Additional information: This variant is heterozygous; This gene is associated with X-linked disease; Loss of function is a known mechanism of disease in this gene and is associated with ornithine transcarbamylase deficiency (MIM#311250); Variants in this gene are known to have variable expressivity. In males, the phenotypic spectrum can range from lethal neonatal onset to milder forms in late childhood or adulthood. In heterozygous females the phenotypic spectrum can range from asymptomatic to having recurrent hyperammonemia and/or neurologic impairment depending on the pattern of X-chromosome inactivation in the liver (OMIM, PMID: 24006547). In addition, individuals with pathogenic variants associated with mild late-onset disease may experience severe hyperammonemia depending on exposure to strong environmental stressors (PMID: 24006547).

Revvity Omics, Revvity
Classification: Pathogenic for Ornithine carbamoyltransferase deficiency. Last evaluated: 2024-03-16. Review status: criteria provided, single submitter. Criteria: ACMG Guidelines, 2015. Collection method: clinical testing. Allele origin: germline.

Rady Children's Institute for Genomic Medicine, Rady Children's Hospital San Diego
Classification: Pathogenic for Ornithine transcarbamylase deficiency. Last evaluated: 2023-10-11. Review status: criteria provided, single submitter. Criteria: ACMG Guidelines, 2015. Collection method: clinical testing. Allele origin: germline. Affected: yes.
Comment: This nonsense variant is found at the 3' end of the OTC gene, therefore the resulting mRNA is predicted to escape nonsense-mediated decay. However, nonsense variants located downstream of this variant have been reported as disease-causing variants in the literature (PMID: 11793468). This variant has been previously reported in hemizygous males, as well as symptomatic and asymptomatic heterozygous females (PMID: 8830175, 9610619, 17596675, 25994866, 28887792, 35131284, 25433810, 33190319, 34014569). The c.958C>T (p.Arg320Ter) variant is absent from the gnomAD population database and thus is presumed to be rare. Based on the available evidence, c.958C>T (p.Arg320Ter) is classified as Pathogenic.

Labcorp Genetics (formerly Invitae), Labcorp
Classification: Pathogenic for Ornithine carbamoyltransferase deficiency. Last evaluated: 2023-08-17. Review status: criteria provided, single submitter. Criteria: Invitae Variant Classification Sherloc (09022015). Collection method: clinical testing. Allele origin: germline.
Comment: This sequence change creates a premature translational stop signal (p.Arg320*) in the OTC gene. It is expected to result in an absent or disrupted protein product. Loss-of-function variants in OTC are known to be pathogenic (PMID: 10946359, 16786505). This variant is not present in population databases (gnomAD no frequency). This premature translational stop signal has been observed in individual(s) with ornithine transcarbamylase deficiency (PMID: 8829665, 9610619, 17041896, 25433810). ClinVar contains an entry for this variant (Variation ID: 97371). Algorithms developed to predict the effect of sequence changes on RNA splicing suggest that this variant may disrupt the consensus splice site. For these reasons, this variant has been classified as Pathogenic.

Genome-Nilou Lab
Classification: Pathogenic for Ornithine carbamoyltransferase deficiency. Last evaluated: 2021-11-07. Review status: criteria provided, single submitter. Criteria: ACMG Guidelines, 2015. Collection method: clinical testing. Allele origin: germline. Affected: no.

Women's Health and Genetics/Laboratory Corporation of America, LabCorp
Classification: Pathogenic for Ornithine carbamoyltransferase deficiency. Last evaluated: 2021-09-28. Review status: criteria provided, single submitter. Criteria: LabCorp Variant Classification Summary - May 2015. Collection method: clinical testing. Allele origin: germline.
Comment: Variant summary: OTC c.958C>T (p.Arg320X) results in a premature termination codon, predicted to cause a truncation of the encoded protein or absence of the protein due to nonsense mediated decay, which are commonly known mechanisms for disease. Truncations downstream of this position have been classified as pathogenic by our laboratory. The variant was absent in 183266 control chromosomes. c.958C>T has been reported in the literature in individuals affected with Ornithine Transcarbamylase Deficiency (e.g. Gobin-Limballe_2021). These data indicate that the variant is likely to be associated with disease. One clinical diagnostic laboratory has submitted clinical-significance assessments for this variant to ClinVar after 2014 without evidence for independent evaluation classified the variant as pathogenic. Based on the evidence outlined above, the variant was classified as pathogenic.

Ambry Genetics
Classification: Pathogenic for Inborn genetic diseases. Last evaluated: 2020-07-21. Review status: criteria provided, single submitter. Criteria: Ambry Variant Classification Scheme 2023. Collection method: clinical testing. Allele origin: germline.
Comment: The alteration results in a premature stop codon: _x000D_ _x000D_ The c.958C>T (p.R320*) alteration, located in coding exon 9 of the OTC gene, results from a C to T substitution at nucleotide position 958. This changes the amino acid from a arginine (R) to a stop codon at amino acid position 320. Premature stop codons are typically deleterious in nature; however, this stop codon occurs at the 3' terminus of OTC, is not expected to trigger nonsense-mediated mRNA decay, and a truncated protein could still be expressed (Maquat, 2004). This alteration removes the last 35 amino acids of the protein. The exact functional impact of these removed amino acids is unknown at this time; however, this alteration and additional truncating alterations downstream of this alteration have been reported in the literature as disease-causing. The alteration is not observed in population databases:_x000D_ _x000D_ Based on data from the Genome Aggregation Database (gnomAD), the OTC c.958C>T alteration was not observed, with coverage at this position. The alteration has been observed in affected individuals:_x000D_ _x000D_ The c.958C>T (p.R320*) alteration has been reported in multiple, unrelated male patients with OTC deficiency. Female carriers have been reported to be asymptomatic or present with a later onset OTC deficiency (Choi, 2015; Mart&iacute;n-Hern&aacute;ndez, 2014; Matsuda, 1997; Rajabi, 2018; Yoo, 1996). Based on the available evidence, this alteration is classified as pathogenic.

Natera, Inc.
Classification: Pathogenic for Ornithine transcarbamylase deficiency. Last evaluated: 2020-10-22. Review status: no assertion criteria provided. Collection method: clinical testing. Allele origin: germline. Not counted in ClinVar's aggregate classification.

GenMed Metabolism Lab
Classification: Pathogenic. Review status: no assertion criteria provided. Collection method: not provided. Allele origin: unknown. Not counted in ClinVar's aggregate classification.
Comment: p.Arg320X, Neonatal
ClinVar note: Converted during submission from pathogenic to Pathogenic.

Literature cited by the submitters: PubMed 24006547 (cited by Victorian Clinical Genetics Services, Murdoch Childrens Research Institute); PubMed 28887792 (cited by Victorian Clinical Genetics Services, Murdoch Childrens Research Institute and Ambry Genetics); PubMed 11793468 (cited by Rady Children's Institute for Genomic Medicine, Rady Children's Hospital San Diego); 8830175 (cited by Rady Children's Institute for Genomic Medicine, Rady Children's Hospital San Diego); 9610619 (cited by Rady Children's Institute for Genomic Medicine, Rady Children's Hospital San Diego); 17596675 (cited by Rady Children's Institute for Genomic Medicine, Rady Children's Hospital San Diego); 25994866 (cited by Rady Children's Institute for Genomic Medicine, Rady Children's Hospital San Diego); 28887792 (cited by Rady Children's Institute for Genomic Medicine, Rady Children's Hospital San Diego); 35131284 (cited by Rady Children's Institute for Genomic Medicine, Rady Children's Hospital San Diego); 25433810 (cited by Rady Children's Institute for Genomic Medicine, Rady Children's Hospital San Diego); 33190319 (cited by Rady Children's Institute for Genomic Medicine, Rady Children's Hospital San Diego); 34014569 (cited by Rady Children's Institute for Genomic Medicine, Rady Children's Hospital San Diego); PubMed 10946359 (cited by Labcorp Genetics (formerly Invitae), Labcorp); PubMed 16786505 (cited by Labcorp Genetics (formerly Invitae), Labcorp); PubMed 8829665 (cited by Labcorp Genetics (formerly Invitae), Labcorp); PubMed 9610619 (cited by Labcorp Genetics (formerly Invitae), Labcorp); PubMed 17041896 (cited by Labcorp Genetics (formerly Invitae), Labcorp); PubMed 25433810 (cited by Labcorp Genetics (formerly Invitae), Labcorp and Ambry Genetics); PubMed 34014569 (cited by Women's Health and Genetics/Laboratory Corporation of America, LabCorp); PubMed 8830175 (cited by Ambry Genetics); PubMed 9286441 (cited by Ambry Genetics); PubMed 25994866 (cited by Ambry Genetics).

NM_000531.6(OTC):c.958C>T (p.Arg320Ter)

Gene: OTC (ornithine transcarbamylase; plus strand). Cytogenetic location: Xp11.4.
Variant type: single nucleotide variant.
Coding change: c.958C>T on transcript NM_000531.6 (MANE Select); coding-DNA position 958, C replaced by T.
Protein change: p.Arg320Ter; replaces arginine 320 with a stop codon.
Molecular consequence: nonsense.
Genome position (GRCh38, 1-based): chrX:38,411,952, C>T. VCF-style: chrX-38411952-C-T. GRCh37 (hg19) VCF-style: chrX-38271205-C-T.
Other names: short protein forms R320*.
Identifiers: ClinVar variation 97371 (VCV000097371.22), dbSNP rs72558473, ClinGen allele CA285809.